The following is an entry in ClinVar:

ClinVar aggregate classification (germline): Pathogenic/Likely pathogenic. Review status: criteria provided, multiple submitters, no conflicts (2 of 4 stars). 9 submissions from 9 submitters: Pathogenic (1); Likely pathogenic (8). Last evaluated 2025-05-23.

Conditions:
Breast-ovarian cancer, familial, susceptibility to, 5 (BROVCA5). Identifiers: MedGen C5830615, MONDO:0957530, OMIM 620442.
Fanconi anemia complementation group N. Also called: PALB2-Related Fanconi Anemia. Identifiers: Orphanet 84, MedGen C1835817, MONDO:0012565, OMIM 610832. Disease mechanism: loss of function.
Pancreatic cancer, susceptibility to, 3. Identifiers: Orphanet 1333, MedGen C3150547, MONDO:0013236, OMIM 613348.
Hereditary cancer-predisposing syndrome. Also called: Tumor predisposition; Neoplastic Syndromes, Hereditary; Hereditary Cancer Syndrome; Hereditary neoplastic syndrome. Identifiers: Orphanet 140162, MedGen C0027672, MeSH D009386, MONDO:0015356.
Familial cancer of breast. Also called: hereditary breast carcinoma; BREAST CANCER, FAMILIAL; Hereditary breast cancer. Identifiers: Orphanet 227535, MedGen C0346153, MONDO:0016419, OMIM 114480. Disease mechanism: loss of function.

Allele frequency attached by ClinVar (database versions not stated): gnomAD exomes below 0.00001.
gnomAD v4.1: 1 of 1,612,726 alleles (0.000062%); highest among the groups gnomAD compares: East Asian, 0.0022%; no homozygotes.

Submissions (9):

Labcorp Genetics (formerly Invitae), Labcorp
Classification: Pathogenic for Familial cancer of breast. Last evaluated: 2025-05-23. Review status: criteria provided, single submitter. Criteria: Invitae Variant Classification Sherloc (09022015). Collection method: clinical testing. Allele origin: germline.
Comment: This sequence change affects an acceptor splice site in intron 2 of the PALB2 gene. RNA analysis indicates that disruption of this splice site induces altered splicing and may result in an absent or altered protein product. This variant is not present in population databases (gnomAD no frequency). Disruption of this splice site has been observed in individual(s) with breast cancer, gastric cancer and unspecified cancer (PMID: 26681312, 28008555, 32521533). ClinVar contains an entry for this variant (Variation ID: 182778). Studies have shown that disruption of this splice site alters mRNA splicing and is expected to lead to the loss of protein expression (PMID: 34846068; internal data). For these reasons, this variant has been classified as Pathogenic.

Ambry Genetics
Classification: Likely pathogenic for Hereditary cancer-predisposing syndrome. Last evaluated: 2025-03-04. Review status: criteria provided, single submitter. Criteria: Ambry Variant Classification Scheme 2023. Collection method: clinical testing. Allele origin: germline.
Comment: The c.109-2A>G intronic variant results from an A to G substitution two nucleotides upstream from coding exon 3 in the PALB2 gene. This nucleotide position is highly conserved in available vertebrate species. This variant has been identified in multiple individuals diagnosed with breast cancer (Hauke J et al. Cancer Med, 2018 Apr;7:1349-1358; Dorling et al. N Engl J Med. 2021 02;384:428-439; Ng PS et al. J Med Genet, 2022 May;59:481-491). In silico splice site analysis predicts that this alteration will weaken the native splice acceptor site and may result in the creation or strengthening of a novel splice acceptor site. RNA studies have demonstrated that this alteration results in abnormal splicing in the set of samples tested (Valenzuela-Palomo A et al. J Pathol, 2022 Mar;256:321-334; Ambry internal data). This variant is considered to be rare based on population cohorts in the Genome Aggregation Database (gnomAD). Alterations that disrupt the canonical splice site are expected to cause aberrant splicing, resulting in an abnormal protein or a transcript that is subject to nonsense-mediated mRNA decay. As such, this alteration is classified as likely pathogenic.

Molecular Pathology, Peter Maccallum Cancer Centre
Classification: Likely pathogenic for Familial cancer of breast. Last evaluated: 2024-10-31. Review status: criteria provided, single submitter. Criteria: ACMG Guidelines, 2015. Collection method: clinical testing. Allele origin: germline. Inheritance: Autosomal dominant inheritance.

Color Diagnostics, LLC DBA Color Health
Classification: Likely pathogenic for Hereditary cancer-predisposing syndrome. Last evaluated: 2024-07-15. Review status: criteria provided, single submitter. Criteria: ACMG Guidelines, 2015. Collection method: clinical testing. Allele origin: germline.
Comment: This variant causes a A>G nucleotide substitution at the canonical -2 position in intron 2 of the PALB2 gene. Splicing prediction indicates that this variant will disrupt the intron 2 splice acceptor site (PMID: 35449021). A minigene splicing assay has reported two out-of-frame splicing events that are expected to result in an absent PALB2 protein product (PMID: 34846068). This variant has not been identified in the general population by the Genome Aggregation Database (gnomAD). Based on the available evidence, this variant is classified as Likely Pathogenic.

Quest Diagnostics Nichols Institute San Juan Capistrano
Classification: Likely pathogenic. Last evaluated: 2024-02-14. Review status: criteria provided, single submitter. Criteria: Quest Diagnostics criteria. Collection method: clinical testing. Allele origin: unknown.
Comment: The PALB2 c.109-2A>G variant disrupts a canonical splice-acceptor site and is predicted to interfere with normal PALB2 mRNA splicing. This variant has been reported in the published literature in individuals affected with breast cancer (PMID: 28008555 (2017), 33471991 (2021), see also LOVD, 33811135 (2022), 37686625 (2023)), and gastric cancer (PMID: 32521533 (2020)). This variant has not been reported in large, multi-ethnic general populations (Genome Aggregation Database). Based on the available information, this variant is classified as likely pathogenic.

Fulgent Genetics
Classification: Likely pathogenic for Fanconi anemia complementation group N; Pancreatic cancer, susceptibility to, 3; Breast-ovarian cancer, familial, susceptibility to, 5. Last evaluated: 2024-01-05. Review status: criteria provided, single submitter. Criteria: ACMG Guidelines, 2015. Collection method: clinical testing. Allele origin: germline.

Myriad Genetics, Inc.
Classification: Likely pathogenic for Familial cancer of breast. Last evaluated: 2023-09-06. Review status: criteria provided, single submitter. Criteria: Myriad Autosomal Dominant, Autosomal Recessive and X-Linked Classification Criteria (2023). Collection method: clinical testing. Allele origin: unknown.
Comment: This variant is considered likely pathogenic. This variant occurs within a consensus splice junction and is predicted to result in abnormal mRNA splicing of either an out-of-frame exon or an in-frame exon necessary for protein stability and/or normal function.

GeneDx
Classification: Likely pathogenic. Last evaluated: 2023-03-08. Review status: criteria provided, single submitter. Criteria: GeneDx Variant Classification Process June 2021. Collection method: clinical testing. Allele origin: germline. Affected: yes.
Comment: Canonical splice site variant demonstrated to cause aberrant splicing, resulting in out-of-frame skipping of exon 3 in a gene for which loss of function is a known mechanism of disease (Valenzuela-Palomo et al., 2022); Not observed at significant frequency in large population cohorts (gnomAD); Observed in individuals with breast or gastric cancer (Pritzlaff et al., 2017; Zhou et al., 2020); This variant is associated with the following publications: (PMID: 26681312, 30890586, 28008555, 32521533, 34846068, 3381135)

CeGaT Center for Human Genetics Tuebingen
Classification: Likely pathogenic. Last evaluated: 2020-11-01. Review status: criteria provided, single submitter. Criteria: CeGaT Center For Human Genetics Tuebingen Variant Classification Criteria Version 2. Collection method: clinical testing. Allele origin: germline. Affected: yes. Observed: 1 variant allele.

Literature cited by the submitters: PubMed 26681312 (cited by Labcorp Genetics (formerly Invitae), Labcorp and Quest Diagnostics Nichols Institute San Juan Capistrano); PubMed 28008555 (cited by 4 submitters); PubMed 32521533 (cited by Labcorp Genetics (formerly Invitae), Labcorp and Quest Diagnostics Nichols Institute San Juan Capistrano); PubMed 34846068 (cited by 4 submitters); PubMed 29522266 (cited by Ambry Genetics and Quest Diagnostics Nichols Institute San Juan Capistrano); PubMed 30890586 (cited by Ambry Genetics and Quest Diagnostics Nichols Institute San Juan Capistrano); PubMed 33471991 (cited by 3 submitters); PubMed 33811135 (cited by Ambry Genetics and Quest Diagnostics Nichols Institute San Juan Capistrano); PubMed 35449021 (cited by Color Diagnostics, LLC DBA Color Health); PubMed 37686625 (cited by Quest Diagnostics Nichols Institute San Juan Capistrano).

NM_024675.4(PALB2):c.109-2A>G

Gene: PALB2 (partner and localizer of BRCA2; minus strand). Cytogenetic location: 16p12.2.
Variant type: single nucleotide variant.
Coding change: c.109-2A>G on transcript NM_024675.4 (MANE Select); the canonical splice acceptor site of the intron before coding-DNA position 109, A replaced by G.
Molecular consequence: splice acceptor variant. On other transcripts: intron variant (3).
Genome position (GRCh38, 1-based): chr16:23,637,954, T>C on the plus strand (A>G on the coding strand, the complement: PALB2 is on the minus strand). VCF-style: chr16-23637954-T-C. GRCh37 (hg19) VCF-style: chr16-23649275-T-C.
Other names: c.-777-2A>G (NM_001407308.1, NM_001407306.1, NM_001407307.1 and 5 more transcripts); c.48+3156A>G (NM_001407314.1); c.-105+3156A>G (NM_001407313.1, NM_001407312.1); c.49-2A>G (NM_001407296.1); c.109-2A>G (NM_001407297.1, NM_001407302.1, NM_001407298.1 and 3 more transcripts).
Identifiers: ClinVar variation 182778 (VCV000182778.61), dbSNP rs730881897, ClinGen allele CA299762.